The following is an entry in ClinVar:

NM_003238.6(TGFB2):c.-677T>C

Gene: TGFB2 (transforming growth factor beta 2; plus strand). Cytogenetic location: 1q41.
Variant type: single nucleotide variant.
Coding change: c.-677T>C on transcript NM_003238.6 (MANE Select); 677 bases upstream of the start codon, T replaced by C.
Molecular consequence: 5 prime UTR variant. On other transcripts: non-coding transcript variant (2).
Genome position (GRCh38, 1-based): chr1:218,346,025, T>C. VCF-style: chr1-218346025-T-C. GRCh37 (hg19) VCF-style: chr1-218519367-T-C.
Other names: c.-677T>C (NM_001135599.4).
Identifiers: ClinVar variation 295468 (VCV000295468.8), dbSNP rs112369231, ClinGen allele CA10609907.

ClinVar aggregate classification (germline): Benign. Review status: criteria provided, multiple submitters, no conflicts (2 of 4 stars). 2 submissions from 2 submitters: Benign (2). Last evaluated 2019-11-26.

Conditions:
Loeys-Dietz syndrome 4 (LDS4). Also called: ANEURYSM, AORTIC AND CEREBRAL, WITH ARTERIAL TORTUOSITY AND SKELETAL MANIFESTATIONS; TGFB2-Related Loeys-Dietz Syndrome. Identifiers: MedGen C3553762, MONDO:0013897, OMIM 614816.

Allele frequency attached by ClinVar (database versions not stated): gnomAD 0.38585 and 0.39003; TOPMed 0.39895; 1000 Genomes Project 0.42352; 1000 Genomes Project 30x 0.42583.
gnomAD v4.1: 57,932 of 150,444 alleles (39%); highest among the groups gnomAD compares: African/African-American, 65%; 13,242 homozygotes.

Submissions (2):

GeneDx
Classification: Benign. Last evaluated: 2019-11-26. Review status: criteria provided, single submitter. Criteria: GeneDx Variant Classification Process June 2021. Collection method: clinical testing. Allele origin: germline. Affected: yes.

Illumina Laboratory Services, Illumina
Classification: Benign for Loeys-Dietz syndrome 4. Last evaluated: 2017-04-27. Review status: criteria provided, single submitter. Criteria: ICSL Variant Classification Criteria 13 December 2019. Collection method: clinical testing. Allele origin: germline.
Comment: This variant was observed as part of a predisposition screen in an ostensibly healthy population. A literature search was performed for the gene, cDNA change, and amino acid change (where applicable). No publications were found based on this search. Allele frequency data from public databases was too high to be consistent with this variant causing disease. Therefore, this variant is classified as benign.